The following is an entry in ClinVar:

ClinVar aggregate classification (germline): Uncertain significance (1 of 4 stars; one submission).

Allele frequency attached by ClinVar (database versions not stated): gnomAD exomes below 0.00001.
gnomAD v4.1: 3 of 1,614,230 alleles (0.00019%); highest among the groups gnomAD compares: Non-Finnish European, 0.00025%; no homozygotes.

Submission:

GeneDx
Classification: Uncertain significance. Last evaluated: 2023-01-12. Review status: criteria provided, single submitter. Criteria: GeneDx Variant Classification Process June 2021. Collection method: clinical testing. Allele origin: germline. Affected: yes.
Comment: Not observed at significant frequency in large population cohorts (gnomAD); In silico analysis supports that this missense variant has a deleterious effect on protein structure/function; Has not been previously published as pathogenic or benign to our knowledge

NM_001923.5(DDB1):c.1519C>G (p.Gln507Glu)

Gene: DDB1 (damage specific DNA binding protein 1; minus strand). Cytogenetic location: 11q12.2.
Variant type: single nucleotide variant.
Coding change: c.1519C>G on transcript NM_001923.5 (MANE Select); coding-DNA position 1519, C replaced by G.
Protein change: p.Gln507Glu; replaces glutamine 507 with glutamic acid.
Molecular consequence: missense variant.
Genome position (GRCh38, 1-based): chr11:61,314,378, G>C on the plus strand (C>G on the coding strand, the complement: DDB1 is on the minus strand). VCF-style: chr11-61314378-G-C. GRCh37 (hg19) VCF-style: chr11-61081850-G-C.
Other names: short protein forms Q507E.
Identifiers: ClinVar variation 2572850 (VCV002572850.1), dbSNP rs1856030141, ClinGen allele CA380663265.